The following is an entry in ClinVar:

ClinVar aggregate classification (germline): Uncertain significance. Review status: criteria provided, multiple submitters, no conflicts (2 of 4 stars). 2 submissions from 2 submitters: Uncertain significance (2). Last evaluated 2023-04-25.

Conditions:
Inborn genetic diseases. Identifiers: MedGen C0950123, MeSH D030342.

Allele frequency attached by ClinVar (database versions not stated): TOPMed 0.00002.

Submissions (2):

Ambry Genetics
Classification: Uncertain significance for Inborn genetic diseases. Last evaluated: 2023-04-25. Review status: criteria provided, single submitter. Criteria: Ambry Variant Classification Scheme 2023. Collection method: clinical testing. Allele origin: germline.

Labcorp Genetics (formerly Invitae), Labcorp
Classification: Uncertain significance. Last evaluated: 2022-08-22. Review status: criteria provided, single submitter. Criteria: Invitae Variant Classification Sherloc (09022015). Collection method: clinical testing. Allele origin: germline.
Comment: In summary, the available evidence is currently insufficient to determine the role of this variant in disease. Therefore, it has been classified as a Variant of Uncertain Significance. Algorithms developed to predict the effect of missense changes on protein structure and function are either unavailable or do not agree on the potential impact of this missense change (SIFT: "Deleterious"; PolyPhen-2: "Benign"; Align-GVGD: "Class C0"). This variant has not been reported in the literature in individuals affected with GPR179-related conditions. This variant is not present in population databases (gnomAD no frequency). This sequence change replaces serine, which is neutral and polar, with asparagine, which is neutral and polar, at codon 1122 of the GPR179 protein (p.Ser1122Asn).

NM_001004334.4(GPR179):c.3365G>A (p.Ser1122Asn)

Gene: GPR179 (G protein-coupled receptor 179; minus strand). Cytogenetic location: 17q12.
Variant type: single nucleotide variant.
Coding change: c.3365G>A on transcript NM_001004334.4 (MANE Select); coding-DNA position 3365, G replaced by A.
Protein change: p.Ser1122Asn; replaces serine 1122 with asparagine.
Molecular consequence: missense variant.
Genome position (GRCh38, 1-based): chr17:38,330,204, C>T on the plus strand (G>A on the coding strand, the complement: GPR179 is on the minus strand). VCF-style: chr17-38330204-C-T. GRCh37 (hg19) VCF-style: chr17-36486087-C-T.
Other names: c.3365G>A (NM_001004334.2); short protein forms S1122N.
Identifiers: ClinVar variation 1911053 (VCV001911053.7), dbSNP rs2037339526, ClinGen allele CA398879960.
Genomic context (GRCh38, chr17:38,330,204, plus strand): 5'-GCCTGCTTACTCACCGCCTTGGGCCGGCCTAGCCTGGGCGATCGGGAGGGTGCCCCCATA[C>T]TCTCTCCCGCAGTCCCGCTGTTCTGCCCCTCGGGACTCTCCTCCACACTCTCCTTCTCTC-3'
Protein context (NP_001004334.3, residues 1112-1132): EGQNSGTAGE[Ser1122Asn]MGAPSRSPRL